The following is an entry in ClinVar:

ClinVar aggregate classification (germline): Uncertain significance (1 of 4 stars; one submission).

Submission:

GeneDx
Classification: Uncertain significance. Last evaluated: 2025-08-15. Review status: criteria provided, single submitter. Criteria: GeneDx Variant Classification Process June 2021. Collection method: clinical testing. Allele origin: germline. Affected: yes.
Comment: Not observed at significant frequency in large population cohorts (gnomAD); In silico analysis suggests that this missense variant does not alter protein structure/function; Has not been previously published as pathogenic or benign to our knowledge

NM_001148.6(ANK2):c.8957C>G (p.Ser2986Cys)

Gene: ANK2 (ankyrin 2; plus strand). Cytogenetic location: 4q26.
Variant type: single nucleotide variant.
Coding change: c.8957C>G on transcript NM_001148.6 (MANE Select); coding-DNA position 8957, C replaced by G.
Protein change: p.Ser2986Cys; replaces serine 2986 with cysteine.
Molecular consequence: missense variant. On other transcripts: intron variant (68).
Genome position (GRCh38, 1-based): chr4:113,357,575, C>G. VCF-style: chr4-113357575-C-G. GRCh37 (hg19) VCF-style: chr4-114278731-C-G.
Other names: c.4364-3248C>G (NM_001354243.2, NM_001354255.2, NM_001386143.1); c.4265-3248C>G (NM_001354262.2, NM_001354275.2, NM_001354245.2); c.4202-3248C>G (NM_001354253.2, NM_001354270.2); c.4166-3248C>G (NM_001354257.2, NM_001386156.1); c.4241-3248C>G (NM_001354249.2, NM_001354266.2, NM_001354276.2 and 2 more transcripts); c.4208-3248C>G (NM_001386146.1, NM_001386150.1, NM_001386149.1 and 1 more transcripts); c.4193-3248C>G (NM_001354274.2, NM_001386154.1); c.4142-3248C>G (NM_001386151.1, NM_001354260.2, NM_001354271.2); and 35 more; short protein forms S2986C, S3033C, S2908C, S1786C, S3025C.
Identifiers: ClinVar variation 4795304 (VCV004795304.1).